The following is an entry in ClinVar:

ClinVar aggregate classification (germline): Likely benign (0 of 4 stars; one submission).

Conditions:
ALOX12-related condition.

Submission:

PreventionGenetics, part of Exact Sciences
Classification: Likely benign for ALOX12-related condition. Last evaluated: 2024-07-26. Review status: no assertion criteria provided. Collection method: clinical testing. Allele origin: germline.
Comment: This variant is classified as likely benign based on ACMG/AMP sequence variant interpretation guidelines (Richards et al. 2015 PMID: 25741868, with internal and published modifications).

NM_000697.3(ALOX12):c.1418+40_1418+41insTG

Genes: ALOX12 (arachidonate 12-lipoxygenase, 12S type; plus strand), ALOX12-AS1 (ALOX12 antisense RNA 1; minus strand). Cytogenetic location: 17p13.1.
Variant type: Insertion.
Coding change: c.1418+40_1418+41insTG on transcript NM_000697.3 (MANE Select); bases 40 to 41 of the intron after coding-DNA position 1418, TG inserted.
Molecular consequence: intron variant.
Genome position: GRCh38 VCF-style: chr17-7006066-G-GGT. GRCh37 (hg19) VCF-style: chr17-6909385-G-GGT.
Identifiers: ClinVar variation 3350372 (VCV003350372.1).